The following is an entry in ClinVar:

ClinVar aggregate classification (germline): Uncertain significance (1 of 4 stars; one submission).

Submission:

GeneDx
Classification: Uncertain significance. Last evaluated: 2019-09-19. Review status: criteria provided, single submitter. Criteria: GeneDx Variant Classification Process June 2021. Collection method: clinical testing. Allele origin: germline. Affected: yes.
Comment: Not observed in large population cohorts (Lek et al., 2016); In silico analysis, which includes protein predictors and evolutionary conservation, supports a deleterious effect; Has not been previously published as pathogenic or benign to our knowledge

NM_001372044.2(SHANK3):c.878C>T (p.Thr293Ile)

Gene: SHANK3 (SH3 and multiple ankyrin repeat domains 3; plus strand). Cytogenetic location: 22q13.33.
Variant type: single nucleotide variant.
Coding change: c.878C>T on transcript NM_001372044.2 (MANE Select); coding-DNA position 878, C replaced by T.
Protein change: p.Thr293Ile; replaces threonine 293 with isoleucine.
Molecular consequence: missense variant.
Genome position (GRCh38, 1-based): chr22:50,679,071, C>T. VCF-style: chr22-50679071-C-T. GRCh37 (hg19) VCF-style: chr22-51117499-C-T.
Other names: c.653C>T (NM_033517.1); short protein forms T293I.
Identifiers: ClinVar variation 1312076 (VCV001312076.2), dbSNP rs2146772569, ClinGen allele CA515253866.